The following is an entry in ClinVar:

ClinVar aggregate classification (germline): Conflicting classifications of pathogenicity. Review status: criteria provided, conflicting classifications (1 of 4 stars). 2 submissions from 2 submitters: Likely pathogenic (1); Uncertain significance (1). Last evaluated 2024-04-04.

Conditions:
Ceroid lipofuscinosis, neuronal, 6A. Also called: Neuronal ceroid lipofuscinosis, Gypsy/Indian early juvenile variant; Neuronal ceroid lipofuscinosis 6; CLN6-Related Neuronal Ceroid-Lipofuscinosis; Neuronal ceroid lipofuscinosis, late infantile, variant. Identifiers: Orphanet 168491, Orphanet 228363, MedGen C5551375, MONDO:0011144, OMIM 601780.

Submissions (2):

Genomic Medicine Center of Excellence, King Faisal Specialist Hospital and Research Centre
Classification: Likely pathogenic for Ceroid lipofuscinosis, neuronal, 6A. Last evaluated: 2024-04-04. Review status: criteria provided, single submitter. Criteria: ACMG Guidelines, 2015. Collection method: clinical testing. Allele origin: germline.

Baylor Genetics
Classification: Uncertain significance for Ceroid lipofuscinosis, neuronal, 6A. Last evaluated: 2020-02-21. Review status: criteria provided, single submitter. Criteria: ACMG Guidelines, 2015. Collection method: clinical testing. Allele origin: unknown. Affected: yes.
Comment: This variant was determined to be of uncertain significance according to ACMG Guidelines, 2015 [PMID:25741868].

NM_017882.3(CLN6):c.437T>C (p.Leu146Pro)

Gene: CLN6 (CLN6 transmembrane ER protein; minus strand). Cytogenetic location: 15q23.
Variant type: single nucleotide variant.
Coding change: c.437T>C on transcript NM_017882.3 (MANE Select); coding-DNA position 437, T replaced by C.
Protein change: p.Leu146Pro; replaces leucine 146 with proline.
Molecular consequence: missense variant.
Genome position (GRCh38, 1-based): chr15:68,211,724, A>G on the plus strand (T>C on the coding strand, the complement: CLN6 is on the minus strand). VCF-style: chr15-68211724-A-G. GRCh37 (hg19) VCF-style: chr15-68504062-A-G.
Other names: short protein forms L146P.
Identifiers: ClinVar variation 1029492 (VCV001029492.2), dbSNP rs1595818249, ClinGen allele CA392973404.